The following is an entry in ClinVar:

ClinVar aggregate classification (germline): Pathogenic/Likely pathogenic. Review status: criteria provided, multiple submitters, no conflicts (2 of 4 stars). 28 submissions from 27 submitters: Pathogenic (21); Likely pathogenic (1). 6 of the submissions do not count toward it. Last evaluated 2026-06-02.

Conditions:
RET-related disorder. Also called: RET-related disorders; RET-related condition; RET-related disease.
Hereditary cancer-predisposing syndrome. Also called: Neoplastic Syndromes, Hereditary; Tumor predisposition; Hereditary Cancer Syndrome; Hereditary neoplastic syndrome. Identifiers: Orphanet 140162, MedGen C0027672, MeSH D009386, MONDO:0015356.
Pheochromocytoma. Also called: MAX-Related Hereditary Paraganglioma-Pheochromocytoma Syndrome. Identifiers: Orphanet 29072, MedGen C0031511, MONDO:0008233, OMIM 171300, HP:0002666.
Multiple endocrine neoplasia type 2B. Also called: MEN IIB; NEUROMATA, MUCOSAL, WITH ENDOCRINE TUMORS; MEN 2B; Multiple endocrine neoplasia, type 3; Multiple Endocrine Neoplasia Type 2B (MEN2B); MUCOSAL NEUROMA SYNDROME. Identifiers: Orphanet 247709, Orphanet 653, MedGen C0025269, MeSH D018814, MONDO:0008082, OMIM 162300.
Multiple endocrine neoplasia type 2A. Also called: Multiple Endocrine Neoplasia Type 2A (MEN2A); MULTIPLE ENDOCRINE NEOPLASIA, TYPE IIA; PTC SYNDROME; SIPPLE SYNDROME; MEN 2A; MEN-2A syndrome. Identifiers: Orphanet 247698, Orphanet 653, MedGen C0025268, MeSH D018813, MONDO:0008234, OMIM 171400.
Thyroid gland carcinoma. Also called: Thyroid carcinoma. Identifiers: Orphanet 100088, MedGen C0549473, MONDO:0015075, HP:0002890.
Multiple endocrine neoplasia, type 2 (MEN2). Identifiers: Orphanet 653, MedGen C4048306, MONDO:0019003. Disease mechanism: gain of function.
Hirschsprung disease, susceptibility to, 1 (HSCR1). Also called: RET-Related Hirschsprung Disease. Identifiers: Orphanet 388, MedGen C3888239, MONDO:0007723, OMIM 142623.

Allele frequency attached by ClinVar (database versions not stated): ExAC 0.00001; gnomAD 0.00001; gnomAD exomes below 0.00001 and 0.00001.
gnomAD v4.1: 4 of 1,607,602 alleles (0.00025%); highest among the groups gnomAD compares: Admixed American, 0.0033%; no homozygotes.

Submissions 1 to 6 of 28:

PreventionGenetics, part of Exact Sciences
Classification: Pathogenic for RET-related condition. Last evaluated: 2026-06-02. Review status: criteria provided, single submitter. Criteria: ACMG Guidelines, 2015. Collection method: clinical testing. Allele origin: germline.
Comment: The RET c.1900T>C variant is predicted to result in the amino acid substitution p.Cys634Arg. This variant has been well documented as causative for RET-related autosomal dominant phenotypes, including multiple endocrine neoplasia 2A, and pheochromocytoma (see for examples, Donis-Keller et al. 1993. PubMed ID: 8103403; Neumann et al. 2002. PubMed ID: 12000816; Erlic et al. 2009. PubMed ID: 19825962; Ghazi et al. 2014. PubMed ID: 24784869). Functional studies support its pathogenicity and demonstrate the p.Cys634Arg variant to be a gain-of-function substitution that results in constitutive RET activity (Pasini et al. 1997. PubMed ID: 9242375; Cosci et al. 2011. PubMed ID: 21810974). The p.Cys634 codon is a hotspot for RET pathogenic variants (Hedayati et al. 2011. PubMed: 21765987). This variant is reported in 0.0054% of alleles in individuals of East Asian descent in gnomAD. In ClinVar, this variant is reported as pathogenic (Variation ID: 13917). This variant is interpreted as pathogenic.

St. Jude Molecular Pathology, St. Jude Children's Research Hospital
Classification: Pathogenic for Multiple endocrine neoplasia type 2A. Last evaluated: 2026-02-11. Review status: criteria provided, single submitter. Criteria: St. Jude Assertion Criteria 2020. Collection method: clinical testing. Allele origin: germline.
Comment: The RET c.1900T>C p.(Cys634Arg) missense change has a maximum subpopulation frequency of 0.0054% in gnomAD v2.1.1. The in silico tool REVEL predicts a deleterious effect on protein function. Functional studies have demonstrated that this variant increases kinase activity and promotes cellular transformation in vitro (PMID: 7824936, 9242375, 10679286, 21810974). This variant has been reported in individuals with multiple endocrine neoplasia type II and has been found to segregate with disease in families (PMID: 8757765, 7907913, 9223675, 25515555, 34777782, 120008164, 12466368, 30763276). In summary, this variant meets criteria to be classified as pathogenic.

Labcorp Genetics (formerly Invitae), Labcorp
Classification: Pathogenic for Multiple endocrine neoplasia, type 2. Last evaluated: 2026-01-31. Review status: criteria provided, single submitter. Criteria: Invitae Variant Classification Sherloc (09022015). Collection method: clinical testing. Allele origin: germline.
Comment: This sequence change replaces cysteine, which is neutral and slightly polar, with arginine, which is basic and polar, at codon 634 of the RET protein (p.Cys634Arg). This variant is present in population databases (rs75076352, gnomAD 0.006%). This missense change has been observed in individual(s) with multiple endocrine neoplasia type 2A (MEN2A), medullary thyroid cancer (MTC), and pheochromocytoma (PMID: 8103403, 8765374, 11987030, 12000816, 19825962, 23210566, 23617071, 23861463, 24784869, 25027091, 25515555, 27539324, 27698838). In at least one individual the variant was observed to be de novo. It has also been observed to segregate with disease in related individuals. ClinVar contains an entry for this variant (Variation ID: 13917). An algorithm developed to predict the effect of missense changes on protein structure and function (PolyPhen-2) suggests that this variant is likely to be tolerated. Experimental studies have shown that this missense change affects RET function (PMID: 7824936, 8099202, 8570194, 12000816, 15472167, 21765987, 21810974, 25440022). This variant disrupts the p.Cys634 amino acid residue in RET. Other variant(s) that disrupt this residue have been determined to be pathogenic (internal data). This suggests that this residue is clinically significant, and that variants that disrupt this residue are likely to be disease-causing. For these reasons, this variant has been classified as Pathogenic.

Color Diagnostics, LLC DBA Color Health
Classification: Pathogenic for Multiple endocrine neoplasia, type 2. Last evaluated: 2025-09-16. Review status: criteria provided, single submitter. Criteria: ACMG Guidelines, 2015. Collection method: clinical testing. Allele origin: germline.
Comment: This missense variant replaces cysteine with arginine at codon 634 of the RET protein. Computational prediction suggests that this variant may have deleterious impact on protein structure and function. Functional studies have demonstrated that this variant protein has constitutive kinase activity and increases transforming ability in transfected cells (PMID: 7824936, 8570194, 15472167, 21810974, 34905813). This variant has been reported in over 100 individuals and families affected with multiple endocrine neoplasia type 2, medullary thyroid carcinoma and other associated clinical features (PMID: 8765374, 11987030, 12000816, 19825962, 23861463, 24784869, 25027091, 25515555, 27539324, 28469506, 30624503, 30763276, 31510104, 33219105, 33340421, 34441382, 34777782). This variant has been shown to segregate with disease in multiple affected families (PMID: 8103403, 23617071, 27698838, 30624503, 34777782). This variant has been identified in 3/247534 chromosomes in the general population by the Genome Aggregation Database (gnomAD). Based on the available evidence, this variant is classified as Pathogenic.

Mayo Clinic Laboratories, Mayo Clinic
Classification: Pathogenic. Last evaluated: 2025-08-01. Review status: criteria provided, single submitter. Criteria: ACMG Guidelines, 2015. Collection method: clinical testing. Allele origin: germline. Observed: 5 variant alleles.
Comment: PP4, PP5, PM1, PM6, PS1, PS3_supporting, PS4_moderate

ARUP Laboratories, Molecular Genetics and Genomics, ARUP Laboratories
Classification: Pathogenic. Last evaluated: 2025-06-09. Review status: criteria provided, single submitter. Criteria: ARUP Molecular Germline Variant Investigation Process 2024. Collection method: clinical testing. Allele origin: germline.
Comment: The RET c.1900T>C; p.Cys634Arg variant (rs75076352) is a common pathogenic variant identified in families with multiple endocrine neoplasia type 2A, and segregating with affected individuals (Hofstra 1996, Mulligan 1994, Wells 2015). This variant is also reported in ClinVar (Variation ID: 13917). It is only found on three alleles in the Genome Aggregation Database, indicating it is not a common polymorphism. Computational analyses predict that this variant is deleterious (REVEL: 0.972). Consistent with these predictions, functional characterization of the variant protein indicates increased auto-phosphorylation and activation of downstream targets (Pasini 1997, Santoro 1995), resulting in enhanced malignant transformation of cells (Cosci 2011, Pasini 1997, Santoro 1995). Additionally, other amino acid substitutions at this codon (Gly, Phe, Ser, Trp, Tyr) are considered causative for MEN2A (Wells 2015). Based on available information, the Cys634Arg variant is considered to be pathogenic. References: Cosci B et al. In silico and in vitro analysis of rare germline allelic variants of RET oncogene associated with medullary thyroid cancer. Endocr Relat Cancer. 2011; 18(5):603-12. PMID: 21810974. Hofstra RM et al. RET mutation screening in familial cutaneous lichen amyloidosis and in skin amyloidosis associated with multiple endocrine neoplasia. J Invest Dermatol. 1996; 107(2):215-8. PMID: 8757765. Mulligan LM et al. Specific mutations of the RET proto-oncogene are related to disease phenotype in MEN 2A and FMTC. Nat Genet. 1994; 6(1):70-4. PMID: 7907913. Pasini A et al. Oncogenic activation of RET by two distinct FMTC mutations affecting the tyrosine kinase domain. Oncogene. 1997; 15(4):393-402. PMID: 9242375. Santoro M et al. Activation of RET as a dominant transforming gene by germline mutations of MEN2A and MEN2B. Science. 1995; 267(5196):381-3. PMID: 7824936. Wells SA Jr et al. Revised American Thyroid Association Guidelines for the Management of Medullary Thyroid Carcinoma. Thyroid. 2015; 25(6):567-610. PMID: 25810047.

NM_020975.6(RET):c.1900T>C (p.Cys634Arg)

Gene: RET (ret proto-oncogene; plus strand). Cytogenetic location: 10q11.21.
Variant type: single nucleotide variant.
Coding change: c.1900T>C on transcript NM_020975.6 (MANE Select); coding-DNA position 1900, T replaced by C.
Protein change: p.Cys634Arg; replaces cysteine 634 with arginine.
Molecular consequence: missense variant.
Genome position (GRCh38, 1-based): chr10:43,114,500, T>C. VCF-style: chr10-43114500-T-C. GRCh37 (hg19) VCF-style: chr10-43609948-T-C.
Other names: p.C634R:TGC>CGC; c.1900T>C, p.Cys634Arg (NM_000323.2, NM_001406743.1, NM_001406744.1 and 4 more transcripts); c.1138T>C, p.Cys380Arg (NM_001355216.2); c.1771T>C, p.Cys591Arg (NM_001406761.1, NM_001406762.1, NM_001406764.1); c.1174T>C, p.Cys392Arg (NM_001406777.1, NM_001406778.1, NM_001406775.1 and 1 more transcripts); c.1003T>C, p.Cys335Arg (NM_001406779.1, NM_001406780.1, NM_001406781.1 and 1 more transcripts); c.874T>C, p.Cys292Arg (NM_001406783.1, NM_001406786.1); c.910T>C, p.Cys304Arg (NM_001406784.1); and 9 more; short protein forms C634R, C380R, C239R, C295R, C304R, C392R, C502R, C459R.
Identifiers: ClinVar variation 13917 (VCV000013917.75), dbSNP rs75076352, ClinGen allele CA008315.